The following is an entry in ClinVar:

ClinVar aggregate classification (germline): Uncertain significance. Review status: criteria provided, multiple submitters, no conflicts (2 of 4 stars). 2 submissions from 2 submitters: Uncertain significance (2). Last evaluated 2025-12-10.

Conditions:
Diffuse cerebral and cerebellar atrophy - intractable seizures - progressive microcephaly syndrome. Also called: Microcephaly, progressive, with seizures and cerebral and cerebellar atrophy. Identifiers: Orphanet 404437, MedGen C4014239, MONDO:0014335, OMIM 615760.
Inborn genetic diseases. Identifiers: MedGen C0950123, MeSH D030342.

Allele frequency attached by ClinVar (database versions not stated): gnomAD exomes below 0.00001; TOPMed below 0.00001; gnomAD 0.00001.

Submissions (2):

Ambry Genetics
Classification: Uncertain significance for Inborn genetic diseases. Last evaluated: 2025-12-10. Review status: criteria provided, single submitter. Criteria: Ambry Variant Classification Scheme 2023. Collection method: clinical testing. Allele origin: germline.

Labcorp Genetics (formerly Invitae), Labcorp
Classification: Uncertain significance for Diffuse cerebral and cerebellar atrophy - intractable seizures - progressive microcephaly syndrome. Last evaluated: 2024-05-15. Review status: criteria provided, single submitter. Criteria: Invitae Variant Classification Sherloc (09022015). Collection method: clinical testing. Allele origin: germline.
Comment: This sequence change replaces arginine, which is basic and polar, with lysine, which is basic and polar, at codon 616 of the QARS protein (p.Arg616Lys). This variant is not present in population databases (gnomAD no frequency). This variant has not been reported in the literature in individuals affected with QARS-related conditions. ClinVar contains an entry for this variant (Variation ID: 1364216). Algorithms developed to predict the effect of missense changes on protein structure and function output the following: SIFT: "Not Available"; PolyPhen-2: "Benign"; Align-GVGD: "Not Available". The lysine amino acid residue is found in multiple mammalian species, which suggests that this missense change does not adversely affect protein function. In summary, the available evidence is currently insufficient to determine the role of this variant in disease. Therefore, it has been classified as a Variant of Uncertain Significance.

NM_005051.3(QARS1):c.1847G>A (p.Arg616Lys)

Gene: QARS1 (glutaminyl-tRNA synthetase 1; minus strand). Cytogenetic location: 3p21.31.
Variant type: single nucleotide variant.
Coding change: c.1847G>A on transcript NM_005051.3 (MANE Select); coding-DNA position 1847, G replaced by A.
Protein change: p.Arg616Lys; replaces arginine 616 with lysine.
Molecular consequence: missense variant. On other transcripts: non-coding transcript variant (1).
Genome position (GRCh38, 1-based): chr3:49,098,901, C>T on the plus strand (G>A on the coding strand, the complement: QARS1 is on the minus strand). VCF-style: chr3-49098901-C-T. GRCh37 (hg19) VCF-style: chr3-49136334-C-T.
Other names: c.1814G>A, p.Arg605Lys (NM_001272073.2); c.1847G>A (NM_005051.1); short protein forms R605K, R616K.
Identifiers: ClinVar variation 1364216 (VCV001364216.8), dbSNP rs2042428248, ClinGen allele CA352700874.
Genomic context (GRCh38, chr3:49,098,901, plus strand): 5'-ACCAGACTCAGCAGCAAACGGGACCCTCCACCCCCACAATTTACCTCCTTGAAGTCAGTC[C>T]TCTCAATGAAGACAATGGGTGCAAAGGGAACCTGATGGAAGCCTTTGGTCTCATCAGCTG-3'
Protein context (NP_005042.1, residues 606-626): VPFAPIVFIE[Arg616Lys]TDFKEEPEPG